The following is an entry in ClinVar:

ClinVar aggregate classification (germline): Pathogenic (1 of 4 stars; one submission).

Conditions:
Severe myoclonic epilepsy in infancy (DRVT). Also called: Epileptic encephalopathy, early infantile, 6 (Dravet syndrome); SEVERE MYOCLONIC EPILEPSY OF INFANCY; DEVELOPMENTAL AND EPILEPTIC ENCEPHALOPATHY 6A; Severe Myoclonic Epilepsy in Infancy (SMEI); Dravet syndrome. Identifiers: Orphanet 33069, MedGen C0751122, MONDO:0100135, OMIM 607208.

Submission:

Center for Bioinformatics, Peking University
Classification: Pathogenic for Dravet syndrome. Last evaluated: 2014-12-20. Review status: criteria provided, single submitter. Criteria: Xu et al. (Hum Mutat. 2015). Collection method: research. Allele origin: de novo. Affected: yes. Observed: 1 variant allele. Study: University Clinical Cooperation “985 Project” PKU-2014-1-1.
Comment: Dravet syndrome (DS) probands were recruited from the outpatient and inpatient child neurology units of Peking University First Hospital from 2005 till present. The study was approved by the Ethics Committee of Peking University First Hospital and the Institutional Review Board at Peking University. Participants or their parents provided written informed consent before enrollment. We collected a total of 267 mutations from 255 families with probands diagnosed with DS in China. All probands fulfilled the clinical diagnostic criteria.

NM_001165963.4(SCN1A):c.2946+1_2946+2del

Gene: SCN1A (sodium voltage-gated channel alpha subunit 1; minus strand). Cytogenetic location: 2q24.3.
Variant type: Deletion.
Coding change: c.2946+1_2946+2del on transcript NM_001165963.4 (MANE Select); the canonical splice donor site of the intron after coding-DNA position 2946, 2 bases deleted (GT; older notation c.2946+1_2946+2delGT).
Molecular consequence: splice donor variant.
Genome position (GRCh38, 1-based): chr2:166,037,774-166,037,775, AC deleted on the plus strand (GT on the coding strand, the reverse complement: SCN1A is on the minus strand). VCF-style (leftmost placement, unchanged base first): chr2-166037773-TAC-T. GRCh37 (hg19) VCF-style: chr2-166894283-TAC-T.
Other names: c.2913+1_2913+2del (NM_001353949.2, NM_001353950.2, NM_001353951.2 and 2 more transcripts); c.2862+1_2862+2del (NM_001353958.2, NM_001353957.2, NM_001165964.3); c.2946+1_2946+2del (NM_001202435.3, NM_001353948.2); c.2910+1_2910+2del (NM_001353955.2, NM_001353954.2); c.2859+1_2859+2del (NM_001353960.2); c.504+1_504+2del (NM_001353961.2).
Identifiers: ClinVar variation 189865 (VCV000189865.1), dbSNP rs794726714, ClinGen allele CA303147.